The following is an entry in ClinVar:

NM_001939.3(DRP2):c.546T>C (p.His182=)

Gene: DRP2 (dystrophin related protein 2; plus strand). Cytogenetic location: Xq22.1.
Variant type: single nucleotide variant.
Coding change: c.546T>C on transcript NM_001939.3 (MANE Select); coding-DNA position 546, T replaced by C.
Protein change: p.His182=; no amino-acid change (histidine 182 retained).
Molecular consequence: synonymous variant.
Genome position (GRCh38, 1-based): chrX:101,239,088, T>C. VCF-style: chrX-101239088-T-C. GRCh37 (hg19) VCF-style: chrX-100494077-T-C.
Other names: c.312T>C, p.His104= (NM_001171184.2).
Identifiers: ClinVar variation 714121 (VCV000714121.12), dbSNP rs139926149, ClinGen allele CA10472089.

ClinVar aggregate classification (germline): Benign/Likely benign. Review status: criteria provided, multiple submitters, no conflicts (2 of 4 stars). 3 submissions from 3 submitters: Benign (2); Likely benign (1). Last evaluated 2026-07-09.

Conditions:
DRP2-related disorder. Also called: DRP2-related condition.

Allele frequency attached by ClinVar (database versions not stated): 1000 Genomes Project 30x 0.00021; 1000 Genomes Project 0.00026; ESP Exome Variant Server 0.00180; gnomAD 0.00191 and 0.00198; TOPMed 0.00209; gnomAD exomes 0.00246 and 0.00409; ExAC 0.00305.
gnomAD v4.1: 4,644 of 1,208,345 alleles (0.38%); highest among the groups gnomAD compares: Non-Finnish European, 0.49%; 13 homozygotes.

Submissions (3):

PreventionGenetics, part of Exact Sciences
Classification: Likely benign for DRP2-related condition. Last evaluated: 2026-07-09. Review status: criteria provided, single submitter. Criteria: ACMG Guidelines, 2015. Collection method: clinical testing. Allele origin: germline.
Comment: This variant is classified as likely benign based on ACMG/AMP sequence variant interpretation guidelines (Richards et al. 2015 PMID: 25741868, with internal and published modifications).

Labcorp Genetics (formerly Invitae), Labcorp
Classification: Benign. Last evaluated: 2026-02-02. Review status: criteria provided, single submitter. Criteria: Invitae Variant Classification Sherloc (09022015). Collection method: clinical testing. Allele origin: germline.

Breakthrough Genomics
Classification: Benign. Review status: criteria provided, single submitter. Criteria: ACMG Guidelines, 2015. Collection method: not provided. Allele origin: germline. Inheritance: Unknown mechanism. Affected: yes.